The following is an entry in ClinVar:

ClinVar aggregate classification (germline): Uncertain significance (1 of 4 stars; one submission).

Submission:

Labcorp Genetics (formerly Invitae), Labcorp
Classification: Uncertain significance. Last evaluated: 2025-12-11. Review status: criteria provided, single submitter. Criteria: Invitae Variant Classification Sherloc (09022015). Collection method: clinical testing. Allele origin: germline.
Comment: This sequence change replaces proline, which is neutral and non-polar, with threonine, which is neutral and polar, at codon 1317 of the FLNB protein (p.Pro1317Thr). This variant is not present in population databases (gnomAD no frequency). This variant has not been reported in the literature in individuals affected with FLNB-related conditions. Invitae Evidence Modeling of protein sequence and biophysical properties (such as structural, functional, and spatial information, amino acid conservation, physicochemical variation, residue mobility, and thermodynamic stability) has been performed for this missense variant. However, the output from this modeling did not meet the statistical confidence thresholds required to predict the impact of this variant on FLNB protein function. In summary, the available evidence is currently insufficient to determine the role of this variant in disease. Therefore, it has been classified as a Variant of Uncertain Significance.

NM_001457.4(FLNB):c.3949C>A (p.Pro1317Thr)

Gene: FLNB (filamin B; plus strand). Cytogenetic location: 3p14.3.
Variant type: single nucleotide variant.
Coding change: c.3949C>A on transcript NM_001457.4 (MANE Select); coding-DNA position 3949, C replaced by A.
Protein change: p.Pro1317Thr; replaces proline 1317 with threonine.
Molecular consequence: missense variant.
Genome position (GRCh38, 1-based): chr3:58,125,631, C>A. VCF-style: chr3-58125631-C-A. GRCh37 (hg19) VCF-style: chr3-58111358-C-A.
Other names: c.3949C>A, p.Pro1317Thr (NM_001164317.2, NM_001164318.2, NM_001164319.2); short protein forms P1317T.
Identifiers: ClinVar variation 4801711 (VCV004801711.1).